The following is an entry in ClinVar:

NM_000465.4(BARD1):c.2044A>G (p.Thr682Ala)

Gene: BARD1 (BRCA1 associated RING domain 1; minus strand). Cytogenetic location: 2q35.
Variant type: single nucleotide variant.
Coding change: c.2044A>G on transcript NM_000465.4 (MANE Select); coding-DNA position 2044, A replaced by G.
Protein change: p.Thr682Ala; replaces threonine 682 with alanine.
Molecular consequence: missense variant. On other transcripts: non-coding transcript variant (3).
Genome position (GRCh38, 1-based): chr2:214,728,966, T>C on the plus strand (A>G on the coding strand, the complement: BARD1 is on the minus strand). VCF-style: chr2-214728966-T-C. GRCh37 (hg19) VCF-style: chr2-215593690-T-C.
Other names: c.1987A>G, p.Thr663Ala (NM_001282543.2); c.691A>G, p.Thr231Ala (NM_001282545.2); c.634A>G, p.Thr212Ala (NM_001282548.2); c.505A>G, p.Thr169Ala (NM_001282549.2); short protein forms T682A, T212A, T169A, T663A, T231A.
Identifiers: ClinVar variation 482795 (VCV000482795.21), dbSNP rs749485640, ClinGen allele CA2090082.
Genomic context (GRCh38, chr2:214,728,966, plus strand): 5'-TCTGGCCCCCACCTGCAGTGACGAGCTTAATAAGGTTGTCCTTTGGATGGTGTTTGAAGG[T>C]TCCCCACAAATAGAAGTAGCATCCATCAAACAGCTTTGGCAACTGAAATAATGAGAAAAC-3'
Protein context (NP_000456.2, residues 672-692): FDGCYFYLWG[Thr682Ala]FKHHPKDNLI

ClinVar aggregate classification (germline): Uncertain significance. Review status: criteria provided, multiple submitters, no conflicts (2 of 4 stars). 4 submissions from 4 submitters: Uncertain significance (4). Last evaluated 2025-08-31.

Conditions:
Familial cancer of breast. Also called: BREAST CANCER, FAMILIAL; Hereditary breast cancer; hereditary breast carcinoma. Identifiers: Orphanet 227535, MedGen C0346153, MONDO:0016419, OMIM 114480. Disease mechanism: loss of function.
Hereditary cancer-predisposing syndrome. Also called: Neoplastic Syndromes, Hereditary; Tumor predisposition; Hereditary Cancer Syndrome; Hereditary neoplastic syndrome. Identifiers: Orphanet 140162, MedGen C0027672, MeSH D009386, MONDO:0015356.

Allele frequency attached by ClinVar (database versions not stated): gnomAD exomes below 0.00001; ExAC 0.00001.
gnomAD v4.1: 2 of 1,614,102 alleles (0.00012%); highest among the groups gnomAD compares: East Asian, 0.0045%; no homozygotes.

Submissions (4):

Labcorp Genetics (formerly Invitae), Labcorp
Classification: Uncertain significance for Familial cancer of breast. Last evaluated: 2025-08-31. Review status: criteria provided, single submitter. Criteria: Invitae Variant Classification Sherloc (09022015). Collection method: clinical testing. Allele origin: germline.
Comment: This sequence change replaces threonine, which is neutral and polar, with alanine, which is neutral and non-polar, at codon 682 of the BARD1 protein (p.Thr682Ala). This variant is present in population databases (rs749485640, gnomAD 0.006%). This variant has not been reported in the literature in individuals affected with BARD1-related conditions. ClinVar contains an entry for this variant (Variation ID: 482795). An algorithm developed to predict the effect of missense changes on protein structure and function outputs the following: PolyPhen-2: "Benign". The alanine amino acid residue is found in multiple mammalian species, which suggests that this missense change does not adversely affect protein function. In summary, the available evidence is currently insufficient to determine the role of this variant in disease. Therefore, it has been classified as a Variant of Uncertain Significance.

Ambry Genetics
Classification: Uncertain significance for Hereditary cancer-predisposing syndrome. Last evaluated: 2025-08-03. Review status: criteria provided, single submitter. Criteria: Ambry Variant Classification Scheme 2023. Collection method: clinical testing. Allele origin: germline.
Comment: The p.T682A variant (also known as c.2044A>G), located in coding exon 11 of the BARD1 gene, results from an A to G substitution at nucleotide position 2044. The threonine at codon 682 is replaced by alanine, an amino acid with similar properties. This amino acid position is not well conserved in available vertebrate species. In addition, this alteration is predicted to be tolerated by in silico analysis. Since supporting evidence is limited at this time, the clinical significance of this alteration remains unclear.

Color Diagnostics, LLC DBA Color Health
Classification: Uncertain significance for Hereditary cancer-predisposing syndrome. Last evaluated: 2023-12-05. Review status: criteria provided, single submitter. Criteria: ACMG Guidelines, 2015. Collection method: clinical testing. Allele origin: germline.
Comment: This missense variant replaces threonine with alanine at codon 682 of the BARD1 protein. Computational prediction suggests that this variant may not impact protein structure and function (internally defined REVEL score threshold <= 0.5, PMID: 27666373). To our knowledge, functional studies have not been reported for this variant. This variant has not been reported in individuals affected with BARD1-related disorders in the literature. This variant has been identified in 1/251118 chromosomes in the general population by the Genome Aggregation Database (gnomAD). The available evidence is insufficient to determine the role of this variant in disease conclusively. Therefore, this variant is classified as a Variant of Uncertain Significance.

Baylor Genetics
Classification: Uncertain significance for Familial cancer of breast. Last evaluated: 2023-10-08. Review status: criteria provided, single submitter. Criteria: ACMG Guidelines, 2015. Collection method: clinical testing. Allele origin: unknown.